The following is an entry in ClinVar:

ClinVar aggregate classification (germline): Uncertain significance. Review status: criteria provided, multiple submitters, no conflicts (2 of 4 stars). 3 submissions from 3 submitters: Uncertain significance (3). Last evaluated 2023-10-19.

Conditions:
Charcot-Marie-Tooth disease type 2. Also called: Charcot-Marie-Tooth type 2. Identifiers: Orphanet 64746, MedGen C0270914, MONDO:0018993.

Allele frequency attached by ClinVar (database versions not stated): gnomAD exomes 0.00001.

Submissions (3):

GeneDx
Classification: Uncertain significance. Last evaluated: 2023-10-19. Review status: criteria provided, single submitter. Criteria: GeneDx Variant Classification Process June 2021. Collection method: clinical testing. Allele origin: germline. Affected: yes.
Comment: Not observed at significant frequency in large population cohorts (gnomAD); In silico analysis supports that this missense variant does not alter protein structure/function; Has not been previously published as pathogenic or benign to our knowledge; This variant is associated with the following publications: (PMID: 25817015)

Labcorp Genetics (formerly Invitae), Labcorp
Classification: Uncertain significance for Charcot-Marie-Tooth disease type 2. Last evaluated: 2023-06-25. Review status: criteria provided, single submitter. Criteria: Invitae Variant Classification Sherloc (09022015). Collection method: clinical testing. Allele origin: germline.
Comment: This sequence change replaces histidine, which is basic and polar, with arginine, which is basic and polar, at codon 61 of the AARS protein (p.His61Arg). This variant is not present in population databases (gnomAD no frequency). This variant has not been reported in the literature in individuals affected with AARS-related conditions. ClinVar contains an entry for this variant (Variation ID: 1907753). An algorithm developed to predict the effect of missense changes on protein structure and function (PolyPhen-2) suggests that this variant is likely to be disruptive. In summary, the available evidence is currently insufficient to determine the role of this variant in disease. Therefore, it has been classified as a Variant of Uncertain Significance.

Mayo Clinic Laboratories, Mayo Clinic
Classification: Uncertain significance. Last evaluated: 2021-07-22. Review status: criteria provided, single submitter. Criteria: ACMG Guidelines, 2015. Collection method: clinical testing. Allele origin: germline.

NM_001605.3(AARS1):c.182A>G (p.His61Arg)

Gene: AARS1 (alanyl-tRNA synthetase 1; minus strand). Cytogenetic location: 16q22.1.
Variant type: single nucleotide variant.
Coding change: c.182A>G on transcript NM_001605.3 (MANE Select); coding-DNA position 182, A replaced by G.
Protein change: p.His61Arg; replaces histidine 61 with arginine.
Molecular consequence: missense variant.
Genome position (GRCh38, 1-based): chr16:70,277,117, T>C on the plus strand (A>G on the coding strand, the complement: AARS1 is on the minus strand). VCF-style: chr16-70277117-T-C. GRCh37 (hg19) VCF-style: chr16-70311020-T-C.
Other names: p.His61Arg; short protein forms H61R.
Identifiers: ClinVar variation 1907753 (VCV001907753.7), dbSNP rs1597446241, ClinGen allele CA396569777.
Genomic context (GRCh38, chr16:70,277,117, plus strand): 5'-TTGCCCCCAGCCCGGATGCACTTCTGGGTATTGGCAGCTCTGCTCAGCTTTGCCATGGGG[T>C]GAGATGGGTCAATTGTGTTCAGGAAAATGGGTTTAAACTAAAAGAGAAGGACAGCAGTTC-3'
Protein context (NP_001596.2, residues 51-71): PIFLNTIDPS[His61Arg]PMAKLSRAAN